The following is an entry in ClinVar:

ClinVar aggregate classification (germline): Uncertain significance (1 of 4 stars; one submission).

gnomAD v4.1: 1 of 1,601,488 alleles (0.000062%); highest among the groups gnomAD compares: Admixed American, 0.0017%; no homozygotes.

Submission:

Labcorp Genetics (formerly Invitae), Labcorp
Classification: Uncertain significance. Last evaluated: 2025-05-30. Review status: criteria provided, single submitter. Criteria: Invitae Variant Classification Sherloc (09022015). Collection method: clinical testing. Allele origin: germline.
Comment: This sequence change replaces histidine, which is basic and polar, with leucine, which is neutral and non-polar, at codon 650 of the IL6ST protein (p.His650Leu). This variant is not present in population databases (gnomAD no frequency). This variant has not been reported in the literature in individuals affected with IL6ST-related conditions. An algorithm developed to predict the effect of missense changes on protein structure and function (PolyPhen-2) suggests that this variant is likely to be disruptive. In summary, the available evidence is currently insufficient to determine the role of this variant in disease. Therefore, it has been classified as a Variant of Uncertain Significance.

NM_002184.4(IL6ST):c.1949A>T (p.His650Leu)

Gene: IL6ST (interleukin 6 cytokine family signal transducer; minus strand). Cytogenetic location: 5q11.2.
Variant type: single nucleotide variant.
Coding change: c.1949A>T on transcript NM_002184.4 (MANE Select); coding-DNA position 1949, A replaced by T.
Protein change: p.His650Leu; replaces histidine 650 with leucine.
Molecular consequence: missense variant. On other transcripts: 3 prime UTR variant (1), non-coding transcript variant (2).
Genome position (GRCh38, 1-based): chr5:55,942,740, T>A on the plus strand (A>T on the coding strand, the complement: IL6ST is on the minus strand). VCF-style: chr5-55942740-T-A. GRCh37 (hg19) VCF-style: chr5-55238568-T-A.
Other names: c.1766A>T, p.His589Leu (NM_001190981.2); c.1847A>T, p.His616Leu (NM_001364275.2); c.1739A>T, p.His580Leu (NM_001364276.2); c.1082A>T, p.His361Leu (NM_001364277.2); c.1046A>T, p.His349Leu (NM_001364278.2); c.953A>T, p.His318Leu (NM_001364279.2); c.*876A>T (NM_175767.3); short protein forms H349L, H580L, H589L, H650L, H318L, H361L, H616L.
Identifiers: ClinVar variation 4764605 (VCV004764605.1).